The following is an entry in ClinVar:

NC_012920.1(MT-TT):m.15908T>C

Gene: MT-TT (mitochondrially encoded tRNA threonine; plus strand).
Variant type: single nucleotide variant.
Genome position: chrM-15908-T-C.
Identifiers: ClinVar variation 690227 (VCV000690227.1), dbSNP rs386829266, ClinGen allele CA337100576.

ClinVar aggregate classification (germline): Benign (1 of 4 stars; one submission).

Conditions:
MELAS syndrome (MELAS). Also called: Juvenile myopathy, encephalopathy, lactic acidosis, stroke. Identifiers: Orphanet 550, MedGen C0162671, MONDO:0010789, OMIM 540000.

Submission:

Wong Mito Lab, Molecular and Human Genetics, Baylor College of Medicine
Classification: Benign for MELAS syndrome. Last evaluated: 2019-07-12. Review status: criteria provided, single submitter. Criteria: Modified ACMG Guidelines (Unpublished). Collection method: clinical testing. Allele origin: germline.
Comment: The NC_012920.1:m.15908T>C variant in MT-TT gene is interpreted to be a Benign variant based on the modified ACMG guidelines (unpublished). This variant meets the following evidence codes reported in the guidelines: BS1, BS2, BP4

Literature cited by the submitters: PubMed 31965079.